The following is an entry in ClinVar:

NM_000069.3(CACNA1S):c.1582C>T (p.Arg528Cys)

Gene: CACNA1S (calcium voltage-gated channel subunit alpha1 S; minus strand). Cytogenetic location: 1q32.1.
Variant type: single nucleotide variant.
Coding change: c.1582C>T on transcript NM_000069.3 (MANE Select); coding-DNA position 1582, C replaced by T.
Protein change: p.Arg528Cys; replaces arginine 528 with cysteine.
Molecular consequence: missense variant.
Genome position (GRCh38, 1-based): chr1:201,077,916, G>A on the plus strand (C>T on the coding strand, the complement: CACNA1S is on the minus strand). VCF-style: chr1-201077916-G-A. GRCh37 (hg19) VCF-style: chr1-201047044-G-A.
Other names: short protein forms R528C.
Identifiers: ClinVar variation 849085 (VCV000849085.14), dbSNP rs80338778, ClinGen allele CA078419.

ClinVar aggregate classification (germline): Pathogenic/Likely pathogenic. Review status: criteria provided, multiple submitters, no conflicts (2 of 4 stars). 11 submissions from 10 submitters: Pathogenic (2); Likely pathogenic (8). 1 of the submissions does not count toward it. Last evaluated 2026-06-16.

Conditions:
CACNA1S-related disorder. Also called: CACNA1S-related condition.
Congenital myopathy 18. Also called: Myopathy, congenital, due to dihydropyridine receptor defect; DIHYDROPYRIDINE RECEPTOR CONGENITAL MYOPATHY; DHPR CONGENITAL MYOPATHY. Identifiers: MedGen C5830283, MONDO:0859514, OMIM 620246.
Hypokalemic periodic paralysis, type 1. Also called: HypoPP; Hypokalemic Periodic Paralysis Type 1 (AD). Identifiers: Orphanet 681, MedGen C3714580, MONDO:0042979, OMIM 170400.
Malignant hyperthermia, susceptibility to, 5 (MHS5). Also called: CACNA1S-Related Malignant Hyperthermia Susceptibility. Identifiers: Orphanet 423, MedGen C1866077, MONDO:0011163, OMIM 601887.
Thyrotoxic periodic paralysis, susceptibility to, 1 (TTPP1). Identifiers: Orphanet 79102, MedGen C2749982, MONDO:0008570, OMIM 188580.
Hypokalemic periodic paralysis (HOKPP). Identifiers: Orphanet 681, MedGen C0238358, MONDO:0008223.

Allele frequency attached by ClinVar (database versions not stated): gnomAD exomes 0.00001; ExAC 0.00002; gnomAD 0.00002; TOPMed 0.00002; ESP Exome Variant Server 0.00008.
gnomAD v4.1: 20 of 1,613,942 alleles (0.0012%); highest among the groups gnomAD compares: African/African-American, 0.0027%; no homozygotes.

Submissions (11):

PreventionGenetics, part of Exact Sciences
Classification: Likely pathogenic for CACNA1S-related condition. Last evaluated: 2026-06-16. Review status: criteria provided, single submitter. Criteria: ACMG Guidelines, 2015. Collection method: clinical testing. Allele origin: germline.
Comment: The CACNA1S c.1582C>T variant is predicted to result in the amino acid substitution p.Arg528Cys. This variant has been reported in several individuals with hypokalemic periodic paralysis type 1 (HOKPP1, Yang et al. 2014. PubMed ID: 25430699; Sathirapanya et al. 2021. PubMed ID: 34248576; Zhao et al. 2024. PubMed ID: 38609989) and in an individual with thyrotoxic hypokalemic periodic paralysis (Rezkalla et al. 2020. PubMed ID: 33088529). This variant has been reported to segregate with affected individuals in families and exhibits sex-dependent penetrance with females being more mildly affected or asymptomatic (Yang. 2014. PubMed ID: 25430699; eTable 2, Maron et al. 2023. PubMed ID: 37432431; Zhao et al. 2024. PubMed ID: 38609989). This variant is reported in 0.0018% of alleles in individuals of European (non-Finnish) descent in gnomAD and is classified as likely pathogenic or pathogenic in ClinVar (Variation ID: 849085). This variant is located in the critical voltage sensor region of the transmembrane segment of the calcium channel which is noted to be a hotspot for CACNA1S variants (Yang et al. 2014. PubMed ID: 25430699; Zhao et al. 2024. PubMed ID: 38609989; Para and Rab. 2026. PubMed ID: 42099363). Alternate variants at the same amino acid position (p.Arg528Gly, p.Arg528His, p.Arg528Leu) have been reported in individuals and families with HOKPP1 (Wang et al. 2005. PubMed ID: 15726306; Anandan et al. 2018. PubMed ID: 29193480; Luo et al. 2019. PubMed ID: 31068157) and have been classified as likely pathogenic or pathogenic in ClinVar (Variation IDs: 21034, 473965, 17625). The c.1582C>T variant is interpreted as likely pathogenic.

CeGaT Center for Human Genetics Tuebingen
Classification: Pathogenic. Last evaluated: 2026-04-01. Review status: criteria provided, single submitter. Criteria: CeGaT Center For Human Genetics Tuebingen Variant Classification Criteria Version 2. Collection method: clinical testing. Allele origin: germline. Affected: yes. Observed: 1 variant allele.
Comment: CACNA1S: PP1:Strong, PM1, PM2, PM5, PS4:Moderate, PP3

Labcorp Genetics (formerly Invitae), Labcorp
Classification: Pathogenic for Hypokalemic periodic paralysis, type 1; Malignant hyperthermia, susceptibility to, 5. Last evaluated: 2025-12-23. Review status: criteria provided, single submitter. Criteria: Invitae Variant Classification Sherloc (09022015). Collection method: clinical testing. Allele origin: germline.
Comment: This sequence change replaces arginine, which is basic and polar, with cysteine, which is neutral and slightly polar, at codon 528 of the CACNA1S protein (p.Arg528Cys). This variant is present in population databases (rs80338778, gnomAD 0.002%). This missense change has been observed in individuals with clinical features of autosomal dominant hypokalaemic periodic paralysis (PMID: 25430699, 33088529, 37432431, 38609989). It has also been observed to segregate with disease in related individuals. ClinVar contains an entry for this variant (Variation ID: 849085). Invitae Evidence Modeling of protein sequence and biophysical properties (such as structural, functional, and spatial information, amino acid conservation, physicochemical variation, residue mobility, and thermodynamic stability) has been performed for this missense variant. However, the output from this modeling did not meet the statistical confidence thresholds required to predict the impact of this variant on CACNA1S protein function. This variant disrupts the p.Arg528 amino acid residue in CACNA1S. Other variant(s) that disrupt this residue have been determined to be pathogenic (PMID: 7847370, 7987325, 11034874, 11808349). This suggests that this residue is clinically significant, and that variants that disrupt this residue are likely to be disease-causing. For these reasons, this variant has been classified as Pathogenic.

GeneDx
Classification: Likely pathogenic. Last evaluated: 2024-02-23. Review status: criteria provided, single submitter. Criteria: GeneDx Variant Classification Process June 2021. Collection method: clinical testing. Allele origin: germline. Affected: yes.
Comment: Reported as heterozygous in individuals in the published literature with hypokalemic periodic paralysis, and also in two asymptomatic individuals (PMID: 25430699, 33088529); Not observed at significant frequency in large population cohorts (gnomAD); In silico analysis supports that this missense variant has a deleterious effect on protein structure/function; This variant is associated with the following publications: (PMID: 33088529, 25430699, 37432431)

Neuberg Centre For Genomic Medicine, NCGM
Classification: Likely pathogenic for Congenital myopathy 18. Last evaluated: 2023-06-02. Review status: criteria provided, single submitter. Criteria: ACMG Guidelines, 2015. Collection method: clinical testing. Allele origin: germline. Inheritance: Autosomal recessive inheritance. Affected: yes.
Comment: The missense c.1582C>T (p.Arg528Cys) variant in the CACNA1S gene has been observed in individual(s) with hypokalaemic periodic paralysis (Yang, Bo et al.,2014). It has also been observed to segregate with disease in related individuals. Other variant(s) that disrupt this residue have been determined to be pathogenic (Katsuno, M et al., 2001). This suggests that this residue is clinically significant, and that variants that disrupt this residue are likely to be disease-causing. This variant is reported with the allele frequency (0.0007%) in the gnomAD Exomes. It is submitted to ClinVar as Likely Pathogenic. The amino acid Arginine at position 528 is changed to a Cystine changing protein sequence and it might alter its composition and physico-chemical properties. The amino acid Arginine in CACNA1S is predicted as conserved by GERP++ and PhyloP across 100 vertebrates. Functional studies are required to prove the pathoegenicity of the variant. For these reasons, this variant has been classified as Likely Pathogenic.

Genome-Nilou Lab
Classification: Likely pathogenic for Malignant hyperthermia, susceptibility to, 5. Last evaluated: 2023-04-11. Review status: criteria provided, single submitter. Criteria: ACMG Guidelines, 2015. Collection method: clinical testing. Allele origin: germline. Affected: no.

Genome-Nilou Lab
Classification: Likely pathogenic for Hypokalemic periodic paralysis, type 1. Last evaluated: 2023-04-11. Review status: criteria provided, single submitter. Criteria: ACMG Guidelines, 2015. Collection method: clinical testing. Allele origin: germline. Affected: no.

Athena Diagnostics
Classification: Likely pathogenic. Last evaluated: 2021-02-09. Review status: criteria provided, single submitter. Criteria: Athena Diagnostics Criteria. Collection method: clinical testing. Allele origin: unknown.
Comment: The frequency of this variant in the general population is consistent with pathogenicity. This variant has been identified in multiple unrelated individuals with clinical features associated with this gene (PMID: 33088529, 25430699). Other variants resulting in a different missense change at this codon have been reported to be pathogenic, suggesting this arginine residue is critical and its disruption is likely to be disease-causing (PMID: 7847370, 7987325, 11034874, 11808349). Computational tools yielded predictions that this amino acid change may be damaging to the protein. Clinical presentation is noted to be variable and reduced penetrance has been reported for females (PMID: 28972032, 15726306, 18835861, 20301512).This observation is not an independent occurrence and has been identified in the same individual by RCIGM, the other laboratory participating in the GEMINI study.

Laboratory for Molecular Medicine, Mass General Brigham Personalized Medicine
Classification: Likely pathogenic for Hypokalemic periodic paralysis. Last evaluated: 2019-03-20. Review status: criteria provided, single submitter. Criteria: ACMG Guidelines, 2015. Collection method: clinical testing. Allele origin: germline. Inheritance: Autosomal dominant inheritance.
Comment: The p.Arg528Cys variant in CACNA1S has been reported in one individual with hypokalemic periodic paralysis, and segregated with disease in 3 affected male relatives. Two female relatives who carried the variant were asymptomatic (Yang 2014). Of note, incomplete penetrance of hypokalemic periodic paralysis in female individuals has been previously described (Ke 2013). The p.Arg528Cys variant has been identified in 2/111426 of European chromosomes by the Genome Aggregation Database (gnomAD; dbSNP rs80338778). Computational prediction tools and conservation analysis suggest that the p.Arg528Cys variant may impact the protein, though this information is not predictive enough to determine pathogenicity. In addition, a different pathogenic variant at this position (p.Arg528His) has been reported in ClinVar (Variation ID: 17625). In summary, although additional studies are required to fully establish its clinical significance, the p.Arg528Cys variant is likely pathogenic. ACMG/AMP criteria applied: PM2, PM5, PP1, PP3.

Juno Genomics, Hangzhou Juno Genomics, Inc
Classification: Likely pathogenic for Congenital myopathy 18; Malignant hyperthermia, susceptibility to, 5; Thyrotoxic periodic paralysis, susceptibility to, 1; Hypokalemic periodic paralysis, type 1. Review status: criteria provided, single submitter. Criteria: ACMG Guidelines, 2015. Collection method: clinical testing. Allele origin: germline.
Comment: Absent from controls (or at extremely low frequency if recessive) in Genome Aggregation Database.;Multiple lines of computational evidence support a deleterious effect on the gene or gene product.;The prevalence of the variant in affected individuals is significantly increased compared to the prevalence in controls.;Co-segregation with disease in multiple affected family members.;Novel missense change at an amino acid residue where a different missense change determined to be pathogenic has been seen before.

GeneReviews
No classification provided. Condition: Hypokalemic periodic paralysis, type 1. Review status: no classification provided. Collection method: literature only. Allele origin: germline. Not counted in ClinVar's aggregate classification.

Literature cited by the submitters: PubMed 25430699 (cited by Labcorp Genetics (formerly Invitae), Labcorp and Laboratory for Molecular Medicine, Mass General Brigham Personalized Medicine); PubMed 33088529 (cited by Labcorp Genetics (formerly Invitae), Labcorp); PubMed 37432431 (cited by Labcorp Genetics (formerly Invitae), Labcorp); PubMed 38609989 (cited by Labcorp Genetics (formerly Invitae), Labcorp); PubMed 7847370 (cited by Labcorp Genetics (formerly Invitae), Labcorp); PubMed 7987325 (cited by Labcorp Genetics (formerly Invitae), Labcorp); PubMed 11034874 (cited by Labcorp Genetics (formerly Invitae), Labcorp); PubMed 11808349 (cited by Labcorp Genetics (formerly Invitae), Labcorp); PubMed 23019082 (cited by Laboratory for Molecular Medicine, Mass General Brigham Personalized Medicine).